The following is an entry in ClinVar:

ClinVar aggregate classification (germline): Conflicting classifications of pathogenicity. Review status: criteria provided, conflicting classifications (1 of 4 stars). 3 submissions from 3 submitters: Uncertain significance (2); Likely benign (1). Last evaluated 2025-05-04.

Conditions:
Inborn genetic diseases. Identifiers: MedGen C0950123, MeSH D030342.
Torsion dystonia 6 (DYT6). Also called: DYT-THAP1. Identifiers: Orphanet 98806, MedGen C1414216, MONDO:0011264, OMIM 602629.

Allele frequency attached by ClinVar (database versions not stated): gnomAD exomes below 0.00001 and 0.00002; gnomAD 0.00001; ExAC 0.00002; TOPMed 0.00002.
gnomAD v4.1: 13 of 1,613,968 alleles (0.00081%); highest among the groups gnomAD compares: East Asian, 0.018%; no homozygotes.

Submissions (3):

Labcorp Genetics (formerly Invitae), Labcorp
Classification: Uncertain significance for Torsion dystonia 6. Last evaluated: 2025-05-04. Review status: criteria provided, single submitter. Criteria: Invitae Variant Classification Sherloc (09022015). Collection method: clinical testing. Allele origin: germline.
Comment: This sequence change replaces alanine, which is neutral and non-polar, with proline, which is neutral and non-polar, at codon 115 of the THAP1 protein (p.Ala115Pro). This variant is present in population databases (rs761376417, gnomAD 0.03%). This variant has not been reported in the literature in individuals affected with THAP1-related conditions. ClinVar contains an entry for this variant (Variation ID: 1002296). An algorithm developed to predict the effect of missense changes on protein structure and function (PolyPhen-2) suggests that this variant is likely to be tolerated. In summary, the available evidence is currently insufficient to determine the role of this variant in disease. Therefore, it has been classified as a Variant of Uncertain Significance.

Ambry Genetics
Classification: Uncertain significance for Inborn genetic diseases. Last evaluated: 2024-01-30. Review status: criteria provided, single submitter. Criteria: Ambry Variant Classification Scheme 2023. Collection method: clinical testing. Allele origin: germline.

GeneDx
Classification: Likely benign. Last evaluated: 2021-04-08. Review status: criteria provided, single submitter. Criteria: GeneDx Variant Classification Process June 2021. Collection method: clinical testing. Allele origin: germline. Affected: yes.

NM_018105.3(THAP1):c.343G>C (p.Ala115Pro)

Gene: THAP1 (THAP domain containing 1; minus strand). Cytogenetic location: 8p11.21.
Variant type: single nucleotide variant.
Coding change: c.343G>C on transcript NM_018105.3 (MANE Select); coding-DNA position 343, G replaced by C.
Protein change: p.Ala115Pro; replaces alanine 115 with proline.
Molecular consequence: missense variant. On other transcripts: synonymous variant (1).
Genome position (GRCh38, 1-based): chr8:42,838,261, C>G on the plus strand (G>C on the coding strand, the complement: THAP1 is on the minus strand). VCF-style: chr8-42838261-C-G. GRCh37 (hg19) VCF-style: chr8-42693404-C-G.
Other names: c.147G>C, p.Leu49= (NM_199003.2); short protein forms A115P.
Identifiers: ClinVar variation 1002296 (VCV001002296.9), dbSNP rs761376417, ClinGen allele CA4734553.